The following is an entry in ClinVar:

ClinVar aggregate classification (germline): Uncertain significance (1 of 4 stars; one submission).

Submission:

Labcorp Genetics (formerly Invitae), Labcorp
Classification: Uncertain significance. Last evaluated: 2022-06-26. Review status: criteria provided, single submitter. Criteria: Invitae Variant Classification Sherloc (09022015). Collection method: clinical testing. Allele origin: germline.
Comment: Algorithms developed to predict the effect of sequence changes on RNA splicing suggest that this variant may disrupt the consensus splice site. In summary, the available evidence is currently insufficient to determine the role of this variant in disease. Therefore, it has been classified as a Variant of Uncertain Significance. This variant has not been reported in the literature in individuals affected with CCDC88A-related conditions. This variant is not present in population databases (gnomAD no frequency). This sequence change falls in intron 20 of the CCDC88A gene. It does not directly change the encoded amino acid sequence of the CCDC88A protein.

NM_001365480.1(CCDC88A):c.3603-9T>G

Gene: CCDC88A (coiled-coil and HOOK domain protein 88A; minus strand). Cytogenetic location: 2p16.1.
Variant type: single nucleotide variant.
Coding change: c.3603-9T>G on transcript NM_001365480.1 (MANE Select); 9 bases into the intron before coding-DNA position 3603, T replaced by G.
Molecular consequence: intron variant.
Genome position (GRCh38, 1-based): chr2:55,317,358, A>C on the plus strand (T>G on the coding strand, the complement: CCDC88A is on the minus strand). VCF-style: chr2-55317358-A-C. GRCh37 (hg19) VCF-style: chr2-55544494-A-C.
Other names: c.3600-9T>G (NM_001254943.2, NM_001135597.2); c.3603-9T>G (NM_018084.5).
Identifiers: ClinVar variation 2010936 (VCV002010936.4), dbSNP rs772081534, ClinGen allele CA2580067402.